The following is an entry in ClinVar:

ClinVar aggregate classification (germline): Pathogenic/Likely pathogenic. Review status: criteria provided, multiple submitters, no conflicts (2 of 4 stars). 4 submissions from 4 submitters: Pathogenic (1); Likely pathogenic (2). 1 of the submissions does not count toward it. Last evaluated 2025-09-02.

Conditions:
Retinal dystrophy. Also called: Inherited retinal dystrophy. Identifiers: Orphanet 71862, MedGen C0854723, MeSH D058499, MONDO:0019118, HP:0000556.
Retinitis pigmentosa (RP). Identifiers: Orphanet 791, MedGen C0035334, MeSH D012174, MONDO:0019200, OMIM 268000. Inheritance: Autosomal dominant, autosomal recessive and X linked inheritance.
Neuronal ceroid lipofuscinosis. Also called: Neuronal Ceroid Lipofuscinoses. Identifiers: Orphanet 216, Orphanet 79263, MedGen C0027877, MONDO:0016295. Disease mechanism: loss of function.
Neuronal ceroid lipofuscinosis 3 (CLN3). Identifiers: Orphanet 228346, MedGen C0751383, MONDO:0008767, OMIM 204200.

Allele frequency attached by ClinVar (database versions not stated): gnomAD exomes below 0.00001.
gnomAD v4.1: 6 of 1,611,410 alleles (0.00037%); highest among the groups gnomAD compares: Admixed American, 0.0017%; no homozygotes.

Submissions (4):

Labcorp Genetics (formerly Invitae), Labcorp
Classification: Pathogenic for Neuronal ceroid lipofuscinosis. Last evaluated: 2025-09-02. Review status: criteria provided, single submitter. Criteria: Invitae Variant Classification Sherloc (09022015). Collection method: clinical testing. Allele origin: germline.
Comment: This sequence change replaces serine, which is neutral and polar, with phenylalanine, which is neutral and non-polar, at codon 171 of the CLN3 protein (p.Ser171Phe). The frequency data for this variant in the population databases is considered unreliable, as metrics indicate poor data quality at this position in the gnomAD database. This missense change has been observed in individual(s) with CLN3-related conditions (PMID: 37039534; internal data). In at least one individual the data is consistent with being in trans (on the opposite chromosome) from a pathogenic variant. It has also been observed to segregate with disease in related individuals. ClinVar contains an entry for this variant (Variation ID: 1213977). Invitae Evidence Modeling of protein sequence and biophysical properties (such as structural, functional, and spatial information, amino acid conservation, physicochemical variation, residue mobility, and thermodynamic stability) indicates that this missense variant is expected to disrupt CLN3 protein function with a positive predictive value of 95%. For these reasons, this variant has been classified as Pathogenic.

DBGen Ocular Genomics
Classification: Likely pathogenic for Retinitis pigmentosa. Last evaluated: 2021-06-02. Review status: criteria provided, single submitter. Criteria: ACMG Guidelines, 2015. Collection method: clinical testing. Allele origin: germline. Affected: yes. Observed: 1 variant allele.

Victorian Clinical Genetics Services, Murdoch Childrens Research Institute
Classification: Likely pathogenic for Neuronal ceroid lipofuscinosis 3. Last evaluated: 2020-10-19. Review status: criteria provided, single submitter. Criteria: ACMG Guidelines, 2015. Collection method: clinical testing. Allele origin: germline. Inheritance: Autosomal recessive inheritance.
Comment: Based on the classification scheme VCGS_Germline_v1.3.3, this variant is classified as Likely pathogenic. Following criteria are met: 0102 - Loss of function is a known mechanism of disease in this gene and is associated with neuronal ceroid lipofuscinosis 3 (MIM#204200). (I) 0106 - This gene is associated with autosomal recessive disease. (I) 0200 - Variant is predicted to result in a missense amino acid change from serine to phenylalanine. (I) 0253 - This variant is hemizygous. (I) 0304 - Variant is present in gnomAD <0.01 for a recessive condition (1 heterozygote, 0 homozygotes). (SP) 0501 - Missense variant consistently predicted to be damaging by multiple in silico tools or highly conserved with a major amino acid change. (SP) 0600 - Variant is located in the annotated luminal loop 2 domain (PMID:31568712). (I) 0705 - No comparable missense variants have previous evidence for pathogenicity. (I) 0807 - This variant has no previous evidence of pathogenicity. (I) 0905 - No published segregation evidence has been identified for this variant. (I) 1007 - No published functional evidence has been identified for this variant. (I) 1102 - Strong phenotype match for this individual. (SP) 1201 - Hemizygous variant detected in trans with a second pathogenic heterozygous variant (p.[Gly154Alafs*29, Val155_Gly264del]) in a recessive disease. (SP) Legend: (SP) - Supporting pathogenic, (I) - Information, (SB) - Supporting benign

Institute of Human Genetics, Univ. Regensburg, Univ. Regensburg
Classification: Likely pathogenic for Retinal dystrophy. Last evaluated: 2021-01-01. Review status: no assertion criteria provided. Criteria: ACMG Guidelines, 2015. Collection method: clinical testing. Allele origin: germline. Affected: yes. Not counted in ClinVar's aggregate classification.

Literature cited by the submitters: PubMed 37039534 (cited by Labcorp Genetics (formerly Invitae), Labcorp); PubMed 31568712 (cited by Victorian Clinical Genetics Services, Murdoch Childrens Research Institute).

NM_001042432.2(CLN3):c.512C>T (p.Ser171Phe)

Gene: CLN3 (CLN3 lysosomal/endosomal transmembrane protein, battenin; minus strand). Cytogenetic location: 16p12.1.
Variant type: single nucleotide variant.
Coding change: c.512C>T on transcript NM_001042432.2 (MANE Select); coding-DNA position 512, C replaced by T.
Protein change: p.Ser171Phe; replaces serine 171 with phenylalanine.
Molecular consequence: missense variant.
Genome position (GRCh38, 1-based): chr16:28,486,599, G>A on the plus strand (C>T on the coding strand, the complement: CLN3 is on the minus strand). VCF-style: chr16-28486599-G-A. GRCh37 (hg19) VCF-style: chr16-28497920-G-A.
Other names: c.512C>T, p.Ser171Phe (NM_000086.2); c.440C>T, p.Ser147Phe (NM_001286104.2); c.212C>T, p.Ser71Phe (NM_001286105.2); c.278C>T, p.Ser93Phe (NM_001286109.2); c.350C>T, p.Ser117Phe (NM_001286110.2); short protein forms S117F, S147F, S171F, S71F, S93F.
Identifiers: ClinVar variation 1213977 (VCV001213977.8), dbSNP rs1401497994, ClinGen allele CA395345652.